The following is an entry in ClinVar:

ClinVar aggregate classification (germline): Pathogenic/Likely pathogenic. Review status: criteria provided, multiple submitters, no conflicts (2 of 4 stars). 2 submissions from 2 submitters: Pathogenic (1); Likely pathogenic (1). Last evaluated 2024-10-11.

Conditions:
Achromatopsia. Also called: Rod monochromatism. Identifiers: Orphanet 49382, MedGen C0152200, MONDO:0018852, HP:0011516.

Submissions (2):

Natera, Inc.
Classification: Likely pathogenic for Achromatopsia. Last evaluated: 2024-10-11. Review status: criteria provided, single submitter. Criteria: Natera Variant Classification Schema (03/2026). Collection method: clinical testing. Allele origin: germline.
Comment: The c.2168del variant in CNGB3 is a frameshift variant predicted to elongate the protein beyond the termination codon. This variant is expected to result in nonsense mediated decay, truncation, or a dysfunctional protein product. This variant is rare in the general population with a frequency below the threshold expected for the associated phenotype(s). Given the available evidence, this variant is classified as Likely Pathogenic.

Labcorp Genetics (formerly Invitae), Labcorp
Classification: Pathogenic. Last evaluated: 2022-07-11. Review status: criteria provided, single submitter. Criteria: Invitae Variant Classification Sherloc (09022015). Collection method: clinical testing. Allele origin: germline.
Comment: This sequence change results in a frameshift in the CNGB3 gene (p.Asn723Metfs*106). While this is not anticipated to result in nonsense mediated decay, it is expected to disrupt the last 87 amino acid(s) of the CNGB3 protein and extend the protein by 18 additional amino acid residues. This variant is not present in population databases (gnomAD no frequency). This variant has not been reported in the literature in individuals affected with CNGB3-related conditions. This variant results in an extension of the CNGB3 protein. Other variant(s) that result in a similarly extended protein product (p.Gln727Lysfs*101) have been determined to be pathogenic (Invitae). This suggests that these extensions are likely to be disease-causing. For these reasons, this variant has been classified as Pathogenic.

NM_019098.5(CNGB3):c.2168del (p.Asn723fs)

Gene: CNGB3 (cyclic nucleotide gated channel subunit beta 3; minus strand). Cytogenetic location: 8q21.3.
Variant type: Deletion.
Coding change: c.2168del on transcript NM_019098.5 (MANE Select); coding-DNA position 2168, one base deleted (A; older notation c.2168delA).
Protein change: p.Asn723fs; shifts the reading frame from asparagine 723.
Molecular consequence: frameshift variant.
Genome position (GRCh38, 1-based): chr8:86,576,066, T deleted on the plus strand (A on the coding strand, the reverse complement: CNGB3 is on the minus strand); the first of 4 consecutive T bases (chr8:86,576,066-86,576,069); deleting any one gives the same sequence. VCF-style (leftmost placement, unchanged base first): chr8-86576065-AT-A. GRCh37 (hg19) VCF-style: chr8-87588293-AT-A.
Other names: c.2168del (NM_019098.4); short protein forms N723fs.
Identifiers: ClinVar variation 2015893 (VCV002015893.5), dbSNP rs2538025017, ClinGen allele CA2580078983.
Genomic context (GRCh38, chr8:86,576,065, plus strand): 5'-TCCTTTATCTTTATCTTCATTTTCTTTTCCTTTATCTTCATTTTCTTTTTGTTTATCTTC[AT>A]TTTCTTTTTGTTTATCTTCATTTTCTTTTCCTTCTTCCTCTCCTCCTTCAGAATTTTCTT-3'